The following is an entry in ClinVar:

ClinVar aggregate classification (germline): Benign. Review status: criteria provided, multiple submitters, no conflicts (2 of 4 stars). 2 submissions from 2 submitters: Benign (2). Last evaluated 2018-01-13.

Conditions:
Occult macular dystrophy (OCMD). Also called: OMD; OCCULT MACULAR DYSTROPHY, SUSCEPTIBILITY TO. Identifiers: Orphanet 247834, MedGen C3150833, MONDO:0013316, OMIM 613587, HP:0030636.

Allele frequency attached by ClinVar (database versions not stated): gnomAD exomes 0.00300; ExAC 0.00377; gnomAD 0.01213 and 0.01307; 1000 Genomes Project 0.01278; ESP Exome Variant Server 0.01330; 1000 Genomes Project 30x 0.01343; TOPMed 0.01454.
gnomAD v4.1: 3,484 of 1,611,918 alleles (0.22%); highest among the groups gnomAD compares: African/African-American, 4.1%; 65 homozygotes.

Submissions (2):

Illumina Laboratory Services, Illumina
Classification: Benign for Occult macular dystrophy. Last evaluated: 2018-01-13. Review status: criteria provided, single submitter. Criteria: ICSL Variant Classification Criteria 13 December 2019. Collection method: clinical testing. Allele origin: germline.
Comment: This variant was observed in the ICSL laboratory as part of a predisposition screen in an ostensibly healthy population. It had not been previously curated by ICSL or reported in the Human Gene Mutation Database (HGMD: prior to June 1st, 2018), and was therefore a candidate for classification through an automated scoring system. Utilizing variant allele frequency, disease prevalence and penetrance estimates, and inheritance mode, an automated score was calculated to assess if this variant is too frequent to cause the disease. Based on the score and internal cut-off values, a variant classified as benign is not then subjected to further curation. The score for this variant resulted in a classification of benign for this disease.

Breakthrough Genomics
Classification: Benign. Review status: criteria provided, single submitter. Criteria: ACMG Guidelines, 2015. Collection method: not provided. Allele origin: germline. Inheritance: Autosomal recessive inheritance. Affected: yes.

NM_178857.6(RP1L1):c.850C>G (p.Pro284Ala)

Gene: RP1L1 (RP1 like 1). Cytogenetic location: 8p23.1.
Variant type: single nucleotide variant.
Coding change: c.850C>G on transcript NM_178857.6 (MANE Select); coding-DNA position 850, C replaced by G.
Protein change: p.Pro284Ala; replaces proline 284 with alanine.
Molecular consequence: missense variant.
Genome position (GRCh38, 1-based): chr8:10,613,248, G>C on the plus strand (C>G on the coding strand, the complement: RP1L1 is on the minus strand). VCF-style: chr8-10613248-G-C. GRCh37 (hg19) VCF-style: chr8-10470758-G-C.
Other names: short protein forms P284A.
Identifiers: ClinVar variation 361391 (VCV000361391.6), dbSNP rs76756822, ClinGen allele CA4625425.